The following is an entry in ClinVar:

ClinVar aggregate classification (germline): Uncertain significance. Review status: criteria provided, multiple submitters, no conflicts (2 of 4 stars). 2 submissions from 2 submitters: Uncertain significance (2). Last evaluated 2025-04-02.

Conditions:
Inborn genetic diseases. Identifiers: MedGen C0950123, MeSH D030342.

Allele frequency attached by ClinVar (database versions not stated): ExAC 0.00002; TOPMed 0.00003; gnomAD 0.00005; gnomAD exomes 0.00012.
gnomAD v4.1: 184 of 1,613,716 alleles (0.011%); highest among the groups gnomAD compares: Non-Finnish European, 0.015%; no homozygotes.

Submissions (2):

Ambry Genetics
Classification: Uncertain significance for Inborn genetic diseases. Last evaluated: 2025-04-02. Review status: criteria provided, single submitter. Criteria: Ambry Variant Classification Scheme 2023. Collection method: clinical testing. Allele origin: germline.

Labcorp Genetics (formerly Invitae), Labcorp
Classification: Uncertain significance. Last evaluated: 2024-10-16. Review status: criteria provided, single submitter. Criteria: Invitae Variant Classification Sherloc (09022015). Collection method: clinical testing. Allele origin: germline.
Comment: This sequence change replaces serine, which is neutral and polar, with asparagine, which is neutral and polar, at codon 769 of the TMTC3 protein (p.Ser769Asn). This variant is present in population databases (rs753499909, gnomAD 0.005%). This variant has not been reported in the literature in individuals affected with TMTC3-related conditions. ClinVar contains an entry for this variant (Variation ID: 1941927). An algorithm developed to predict the effect of missense changes on protein structure and function outputs the following: PolyPhen-2: "Benign". The asparagine amino acid residue is found in multiple mammalian species, which suggests that this missense change does not adversely affect protein function. In summary, the available evidence is currently insufficient to determine the role of this variant in disease. Therefore, it has been classified as a Variant of Uncertain Significance.

NM_181783.4(TMTC3):c.2306G>A (p.Ser769Asn)

Gene: TMTC3 (transmembrane O-mannosyltransferase targeting cadherins 3; plus strand). Cytogenetic location: 12q21.32.
Variant type: single nucleotide variant.
Coding change: c.2306G>A on transcript NM_181783.4 (MANE Select); coding-DNA position 2306, G replaced by A.
Protein change: p.Ser769Asn; replaces serine 769 with asparagine.
Molecular consequence: missense variant. On other transcripts: non-coding transcript variant (1).
Genome position (GRCh38, 1-based): chr12:88,195,210, G>A. VCF-style: chr12-88195210-G-A. GRCh37 (hg19) VCF-style: chr12-88588987-G-A.
Other names: c.2126G>A, p.Ser709Asn (NM_001366574.1); c.2087G>A, p.Ser696Asn (NM_001366579.1); c.2039G>A, p.Ser680Asn (NM_001366580.1); c.1613G>A, p.Ser538Asn (NM_001366583.1); c.2306G>A (NM_181783.3); short protein forms S696N, S709N, S769N, S538N, S680N.
Identifiers: ClinVar variation 1941927 (VCV001941927.6), dbSNP rs753499909, ClinGen allele CA6713457.